The following is an entry in ClinVar:

NM_001127649.3(PEX26):c.205G>C (p.Ala69Pro)

Gene: PEX26 (peroxisomal biogenesis factor 26; plus strand). Cytogenetic location: 22q11.21.
Variant type: single nucleotide variant.
Coding change: c.205G>C on transcript NM_001127649.3 (MANE Select); coding-DNA position 205, G replaced by C.
Protein change: p.Ala69Pro; replaces alanine 69 with proline.
Molecular consequence: missense variant.
Genome position (GRCh38, 1-based): chr22:18,078,581, G>C. VCF-style: chr22-18078581-G-C. GRCh37 (hg19) VCF-style: chr22-18561347-G-C.
Other names: c.205G>C, p.Ala69Pro (NM_001199319.2, NM_017929.6); short protein forms A69P.
Identifiers: ClinVar variation 1406298 (VCV001406298.5), dbSNP rs372192286, ClinGen allele CA410265290.
Genomic context (GRCh38, chr22:18,078,581, plus strand): 5'-CTGGACTTCCGGGCGGCGCTGGAGACCTGCGAGCGGGCCTGGCAGAGTCTGGCCAACCAC[G>C]CCGTGGCAGAGGAACCCGCGGGCACGTACGTGCTGGGCTCGGAAATGAACCGATTTCCGG-3'
Protein context (NP_001121121.1, residues 59-79): ERAWQSLANH[Ala69Pro]VAEEPAGTSL

ClinVar aggregate classification (germline): Uncertain significance (1 of 4 stars; one submission).

Conditions:
Peroxisome biogenesis disorder 7A (Zellweger). Also called: Peroxisome biogenesis disorder 7A. Identifiers: Orphanet 912, MedGen C3888385, MONDO:0013938, OMIM 614872.
Peroxisome biogenesis disorder 7B (PBD7B). Identifiers: Orphanet 44, MedGen C3553951, MONDO:0013939, OMIM 614873.

Allele frequency attached by ClinVar (database versions not stated): TOPMed below 0.00001.

Submission:

Labcorp Genetics (formerly Invitae), Labcorp
Classification: Uncertain significance for Peroxisome biogenesis disorder 7A (Zellweger); Peroxisome biogenesis disorder 7B. Last evaluated: 2022-08-15. Review status: criteria provided, single submitter. Criteria: Invitae Variant Classification Sherloc (09022015). Collection method: clinical testing. Allele origin: germline.
Comment: In summary, the available evidence is currently insufficient to determine the role of this variant in disease. Therefore, it has been classified as a Variant of Uncertain Significance. Algorithms developed to predict the effect of missense changes on protein structure and function (SIFT, PolyPhen-2, Align-GVGD) all suggest that this variant is likely to be tolerated. ClinVar contains an entry for this variant (Variation ID: 1406298). This variant has not been reported in the literature in individuals affected with PEX26-related conditions. The frequency data for this variant in the population databases is considered unreliable, as metrics indicate poor data quality at this position in the gnomAD database. This sequence change replaces alanine, which is neutral and non-polar, with proline, which is neutral and non-polar, at codon 69 of the PEX26 protein (p.Ala69Pro).